The following is an entry in ClinVar:

NM_004656.4(BAP1):c.316G>A (p.Val106Met)

Gene: BAP1 (BRCA1 associated deubiquitinase 1; minus strand). Cytogenetic location: 3p21.1.
Variant type: single nucleotide variant.
Coding change: c.316G>A on transcript NM_004656.4 (MANE Select); coding-DNA position 316, G replaced by A.
Protein change: p.Val106Met; replaces valine 106 with methionine.
Molecular consequence: missense variant.
Genome position (GRCh38, 1-based): chr3:52,408,017, C>T on the plus strand (G>A on the coding strand, the complement: BAP1 is on the minus strand). VCF-style: chr3-52408017-C-T. GRCh37 (hg19) VCF-style: chr3-52442033-C-T.
Other names: short protein forms V106M.
Identifiers: ClinVar variation 630500 (VCV000630500.30), dbSNP rs754385495, ClinGen allele CA74744095.

ClinVar aggregate classification (germline): Conflicting classifications of pathogenicity. Review status: criteria provided, conflicting classifications (1 of 4 stars). 6 submissions from 6 submitters: Uncertain significance (5); Likely benign (1). Last evaluated 2026-04-16.

Conditions:
BAP1-related tumor predisposition syndrome (TPDS1). Also called: Tumor susceptibility linked to germline BAP1 mutations; BAP1 tumor predisposition syndrome; COMMON Syndrome; TUMOR PREDISPOSITION SYNDROME 1. Identifiers: Orphanet 289539, MedGen C3280492, MONDO:0013692, OMIM 614327.
Hereditary cancer-predisposing syndrome. Also called: Tumor predisposition; Hereditary Cancer Syndrome; Neoplastic Syndromes, Hereditary; Hereditary neoplastic syndrome. Identifiers: Orphanet 140162, MedGen C0027672, MeSH D009386, MONDO:0015356.

Allele frequency attached by ClinVar (database versions not stated): gnomAD exomes 0.00001; gnomAD 0.00003 and 0.00002; TOPMed 0.00003.
gnomAD v4.1: 10 of 1,613,694 alleles (0.00062%); highest among the groups gnomAD compares: African/African-American, 0.004%; no homozygotes.

Submissions (6):

Ambry Genetics
Classification: Likely benign for Hereditary cancer-predisposing syndrome. Last evaluated: 2026-04-16. Review status: criteria provided, single submitter. Criteria: Ambry Variant Classification Scheme 2023. Collection method: clinical testing. Allele origin: germline.

Labcorp Genetics (formerly Invitae), Labcorp
Classification: Uncertain significance for BAP1-related tumor predisposition syndrome. Last evaluated: 2025-11-17. Review status: criteria provided, single submitter. Criteria: Invitae Variant Classification Sherloc (09022015). Collection method: clinical testing. Allele origin: germline.
Comment: This sequence change replaces valine, which is neutral and non-polar, with methionine, which is neutral and non-polar, at codon 106 of the BAP1 protein (p.Val106Met). The frequency data for this variant in the population databases is considered unreliable, as metrics indicate poor data quality at this position in the gnomAD database. This variant has not been reported in the literature in individuals affected with BAP1-related conditions. ClinVar contains an entry for this variant (Variation ID: 630500). Invitae Evidence Modeling of protein sequence and biophysical properties (such as structural, functional, and spatial information, amino acid conservation, physicochemical variation, residue mobility, and thermodynamic stability) indicates that this missense variant is expected to disrupt BAP1 protein function with a positive predictive value of 80%. In summary, the available evidence is currently insufficient to determine the role of this variant in disease. Therefore, it has been classified as a Variant of Uncertain Significance.

Color Diagnostics, LLC DBA Color Health
Classification: Uncertain significance for Hereditary cancer-predisposing syndrome. Last evaluated: 2025-05-07. Review status: criteria provided, single submitter. Criteria: ACMG Guidelines, 2015. Collection method: clinical testing. Allele origin: germline.
Comment: This missense variant replaces valine with methionine at codon 106 of the BAP1 protein. Computational prediction suggests that this variant may not impact protein structure and function. To our knowledge, functional studies have not been reported for this variant. This variant has not been reported in individuals affected with BAP1-related disorders in the literature. This variant has been identified in 3/245648 chromosomes in the general population by the Genome Aggregation Database (gnomAD). The available evidence is insufficient to determine the role of this variant in disease conclusively. Therefore, this variant is classified as a Variant of Uncertain Significance.

Baylor Genetics
Classification: Uncertain significance for BAP1-related tumor predisposition syndrome. Last evaluated: 2024-03-25. Review status: criteria provided, single submitter. Criteria: ACMG Guidelines, 2015. Collection method: clinical testing. Allele origin: unknown.

GeneDx
Classification: Uncertain significance. Last evaluated: 2023-10-16. Review status: criteria provided, single submitter. Criteria: GeneDx Variant Classification Process June 2021. Collection method: clinical testing. Allele origin: germline. Affected: yes.
Comment: Not observed at significant frequency in large population cohorts (gnomAD); In silico analysis supports that this missense variant does not alter protein structure/function; Has not been previously published as pathogenic or benign to our knowledge

Quest Diagnostics Nichols Institute San Juan Capistrano
Classification: Uncertain significance. Last evaluated: 2023-01-11. Review status: criteria provided, single submitter. Criteria: Quest Diagnostics criteria. Collection method: clinical testing. Allele origin: unknown.
Comment: The frequency of this variant in the general population, 0.000014 (4/282122 chromosomes), is uninformative in assessment of its pathogenicity. In the published literature, the variant has been reported in an individual with kidney cancer (PMID: 29684080 (2018)). Analysis of this variant using bioinformatics tools for the prediction of the effect of amino acid changes on protein structure and function yielded predictions that this variant is damaging. Based on the available information, we are unable to determine the clinical significance of this variant.

Literature cited by the submitters: PubMed 29684080 (cited by Ambry Genetics and Quest Diagnostics Nichols Institute San Juan Capistrano); PubMed 38969833 (cited by Ambry Genetics).